The following is an entry in ClinVar:

NM_015627.3(LDLRAP1):c.370A>G (p.Met124Val)

Gene: LDLRAP1 (low density lipoprotein receptor adaptor protein 1; plus strand). Cytogenetic location: 1p36.11.
Variant type: single nucleotide variant.
Coding change: c.370A>G on transcript NM_015627.3 (MANE Select); coding-DNA position 370, A replaced by G.
Protein change: p.Met124Val; replaces methionine 124 with valine.
Molecular consequence: missense variant.
Genome position (GRCh38, 1-based): chr1:25,557,178, A>G. VCF-style: chr1-25557178-A-G. GRCh37 (hg19) VCF-style: chr1-25883669-A-G.
Other names: short protein forms M124V.
Identifiers: ClinVar variation 3537767 (VCV003537767.1).

ClinVar aggregate classification (germline): Uncertain significance (1 of 4 stars; one submission).

Conditions:
Cardiovascular phenotype. Identifiers: MedGen CN230736.

Submission:

Ambry Genetics
Classification: Uncertain significance for Cardiovascular phenotype. Last evaluated: 2024-08-25. Review status: criteria provided, single submitter. Criteria: Ambry Variant Classification Scheme 2023. Collection method: clinical testing. Allele origin: germline.
Comment: The p.M124V variant (also known as c.370A>G), located in coding exon 4 of the LDLRAP1 gene, results from an A to G substitution at nucleotide position 370. The methionine at codon 124 is replaced by valine, an amino acid with highly similar properties. This amino acid position is conserved. In addition, this alteration is predicted to be tolerated by in silico analysis. Based on the available evidence, the clinical significance of this variant remains unclear.